The following is an entry in ClinVar:

NC_000001.10:g.(?_161298176)_(161298297_?)del

Gene: SDHC (succinate dehydrogenase complex subunit C; plus strand). Cytogenetic location: 1q23.3.
Variant type: Deletion.
Identifiers: ClinVar variation 2424599 (VCV002424599.12).

ClinVar aggregate classification (germline): Pathogenic (1 of 4 stars; one submission).

Conditions:
Gastrointestinal stromal tumor. Also called: Gastrointestinal stroma tumor; Gastrointestinal stromal tumor, somatic. Identifiers: Orphanet 44890, MedGen C0238198, MeSH D046152, MONDO:0011719, OMIM 606764, HP:0100723.
Pheochromocytoma/paraganglioma syndrome 3. Also called: GLOMUS TUMORS, FAMILIAL, 3; Paragangliomas 3; SDHC-Related Hereditary Paraganglioma-Pheochromocytoma Syndrome (Paragangliomas 3); SDHC-Related Hereditary Paraganglioma-Pheochromocytoma Syndrome. Identifiers: Orphanet 29072, MedGen C1854336, MONDO:0011544, OMIM 605373.

Submission:

Labcorp Genetics (formerly Invitae), Labcorp
Classification: Pathogenic for Pheochromocytoma/paraganglioma syndrome 3; Gastrointestinal stromal tumor. Last evaluated: 2021-12-23. Review status: criteria provided, single submitter. Criteria: Invitae Variant Classification Sherloc (09022015). Collection method: clinical testing. Allele origin: germline.
Comment: This variant is a gross deletion of the genomic region encompassing exon(s) 3 of the SDHC gene. This variant would be expected to be in-frame, preserving the integrity of the reading frame. This variant has not been reported in the literature in individuals affected with SDHC-related conditions. This variant disrupts a region of the SDHC protein in which other variant(s) (p.Arg50) have been determined to be pathogenic (PMID: 19351833, 23666964, 24102379). This suggests that this is a clinically significant region of the protein, and that variants that disrupt it are likely to be disease-causing. For these reasons, this variant has been classified as Pathogenic.

Literature cited by the submitters: PubMed 19351833; PubMed 23666964; PubMed 24102379.